The following is an entry in ClinVar:

NM_001370259.2(MEN1):c.692A>T (p.Asp231Val)

Gene: MEN1 (menin 1; minus strand). Cytogenetic location: 11q13.1.
Variant type: single nucleotide variant.
Coding change: c.692A>T on transcript NM_001370259.2 (MANE Select); coding-DNA position 692, A replaced by T.
Protein change: p.Asp231Val; replaces aspartic acid 231 with valine.
Molecular consequence: missense variant.
Genome position (GRCh38, 1-based): chr11:64,807,643, T>A on the plus strand (A>T on the coding strand, the complement: MEN1 is on the minus strand). VCF-style: chr11-64807643-T-A. GRCh37 (hg19) VCF-style: chr11-64575115-T-A.
Other names: c.707A>T, p.Asp236Val (NM_000244.4, NM_001407145.1, NM_001407150.1 and 5 more transcripts); c.692A>T, p.Asp231Val (NM_001370251.2, NM_001370260.2, NM_001370261.2 and 7 more transcripts); c.587A>T, p.Asp196Val (NM_001370262.2, NM_001370263.2, NM_001407148.1 and 2 more transcripts); short protein forms D236V, D231V, D196V.
Identifiers: ClinVar variation 1756197 (VCV001756197.2), dbSNP rs2497206517, ClinGen allele CA381184633.

ClinVar aggregate classification (germline): Uncertain significance (1 of 4 stars; one submission).

Conditions:
Hereditary cancer-predisposing syndrome. Also called: Neoplastic Syndromes, Hereditary; Tumor predisposition; Hereditary Cancer Syndrome; Hereditary neoplastic syndrome. Identifiers: Orphanet 140162, MedGen C0027672, MeSH D009386, MONDO:0015356.

Submission:

Ambry Genetics
Classification: Uncertain significance for Hereditary cancer-predisposing syndrome. Last evaluated: 2022-10-20. Review status: criteria provided, single submitter. Criteria: Ambry Variant Classification Scheme 2023. Collection method: clinical testing. Allele origin: germline.
Comment: The p.D231V variant (also known as c.692A>T), located in coding exon 3 of the MEN1 gene, results from an A to T substitution at nucleotide position 692. The aspartic acid at codon 231 is replaced by valine, an amino acid with highly dissimilar properties. This amino acid position is conserved. In addition, this alteration is predicted to be deleterious by in silico analysis. Since supporting evidence is limited at this time, the clinical significance of this alteration remains unclear.